The following is an entry in ClinVar:

ClinVar aggregate classification (germline): Uncertain significance (1 of 4 stars; one submission).

Conditions:
ALPK3-related disorder. Also called: ALPK3-related condition.

Submission:

PreventionGenetics, part of Exact Sciences
Classification: Uncertain significance for ALPK3-related condition. Last evaluated: 2026-06-10. Review status: criteria provided, single submitter. Criteria: ACMG Guidelines, 2015. Collection method: clinical testing. Allele origin: germline.
Comment: The ALPK3 c.398C>G variant is predicted to result in the amino acid substitution p.Pro133Arg. To our knowledge, this variant has not been reported in the literature or in a large population database (gnomAD), indicating this variant is rare. At this time, the clinical significance of this variant is uncertain due to the absence of conclusive functional and genetic evidence.

NM_020778.4(ALPK3):c.398C>G

Gene: ALPK3 (alpha kinase 3; plus strand). Cytogenetic location: 15q25.3.
Variant type: single nucleotide variant.
Coding change: c.398C>G on transcript NM_020778.4; coding-DNA position 398, C replaced by G.
Genome position (GRCh38, 1-based): chr15:84,817,244, C>G. VCF-style: chr15-84817244-C-G. GRCh37 (hg19) VCF-style: chr15-85360475-C-G.
Identifiers: ClinVar variation 4985869 (VCV004985869.1).
Genomic context (GRCh38, chr15:84,817,244, plus strand): 5'-GCCGCCAAGGGAGCGGACTCGGAGCCGGCCCTGGGGCGGGCACATGGGCCCCGGCGCCCC[C>G]CGGCGTCTCCAAGCCGCGCTGCCCGGGTCGGGCCAGGCCAGGGGAGGGACAGCAGCAGGT-3'